The following is an entry in ClinVar:

ClinVar aggregate classification (germline): Uncertain significance (1 of 4 stars; one submission).

Allele frequency attached by ClinVar (database versions not stated): ESP Exome Variant Server 0.00008.
gnomAD v4.1: 28 of 1,612,924 alleles (0.0017%); highest among the groups gnomAD compares: African/African-American, 0.0053%; no homozygotes.

Submission:

Labcorp Genetics (formerly Invitae), Labcorp
Classification: Uncertain significance. Last evaluated: 2025-12-01. Review status: criteria provided, single submitter. Criteria: Invitae Variant Classification Sherloc (09022015). Collection method: clinical testing. Allele origin: germline.
Comment: This sequence change replaces arginine, which is basic and polar, with cysteine, which is neutral and slightly polar, at codon 1654 of the FREM1 protein (p.Arg1654Cys). This variant is present in population databases (rs373186602, gnomAD 0.01%). This variant has not been reported in the literature in individuals affected with FREM1-related conditions. ClinVar contains an entry for this variant (Variation ID: 1900335). Invitae Evidence Modeling of protein sequence and biophysical properties (such as structural, functional, and spatial information, amino acid conservation, physicochemical variation, residue mobility, and thermodynamic stability) indicates that this missense variant is expected to disrupt FREM1 protein function with a positive predictive value of 80%. In summary, the available evidence is currently insufficient to determine the role of this variant in disease. Therefore, it has been classified as a Variant of Uncertain Significance.

NM_001379081.2(FREM1):c.4960C>T (p.Arg1654Cys)

Gene: FREM1 (FRAS1 related extracellular matrix 1; minus strand). Cytogenetic location: 9p22.3.
Variant type: single nucleotide variant.
Coding change: c.4960C>T on transcript NM_001379081.2 (MANE Select); coding-DNA position 4960, C replaced by T.
Protein change: p.Arg1654Cys; replaces arginine 1654 with cysteine.
Molecular consequence: missense variant. On other transcripts: non-coding transcript variant (2).
Genome position (GRCh38, 1-based): chr9:14,770,704, G>A on the plus strand (C>T on the coding strand, the complement: FREM1 is on the minus strand). VCF-style: chr9-14770704-G-A. GRCh37 (hg19) VCF-style: chr9-14770702-G-A.
Other names: c.568C>T, p.Arg190Cys (NM_001177704.3, NM_001370058.2, NM_001370061.2); c.4960C>T, p.Arg1654Cys (NM_144966.7); short protein forms R1654C, R190C.
Identifiers: ClinVar variation 1900335 (VCV001900335.5), dbSNP rs373186602, ClinGen allele CA4989950.
Genomic context (GRCh38, chr9:14,770,704, plus strand): 5'-GTAGAATTTTAAAGATGATCTGATCGTCCTCAGTGTCAGGGTCTGATGCCTTCAACACGC[G>A]GGAAGTGATGTAAATCCCGTAGCAGCCATTTTTCAGGAGCCCCACTTGAGAAGGGGAATG-3'
Protein context (NP_001366010.1, residues 1644-1664): NGCYGIYITS[Arg1654Cys]VLKASDPDTE